The following is an entry in ClinVar:

ClinVar aggregate classification (germline): Uncertain significance. Review status: criteria provided, multiple submitters, no conflicts (2 of 4 stars). 2 submissions from 2 submitters: Uncertain significance (2). Last evaluated 2024-06-17.

Conditions:
Inborn genetic diseases. Identifiers: MedGen C0950123, MeSH D030342.

gnomAD v4.1: 35 of 1,614,064 alleles (0.0022%); highest among the groups gnomAD compares: Non-Finnish European, 0.0026%; no homozygotes.

Submissions (2):

Ambry Genetics
Classification: Uncertain significance for Inborn genetic diseases. Last evaluated: 2024-06-17. Review status: criteria provided, single submitter. Criteria: Ambry Variant Classification Scheme 2023. Collection method: clinical testing. Allele origin: germline.

Mayo Clinic Laboratories, Mayo Clinic
Classification: Uncertain significance. Last evaluated: 2023-03-15. Review status: criteria provided, single submitter. Criteria: ACMG Guidelines, 2015. Collection method: clinical testing. Allele origin: germline. Observed: 1 variant allele.
Comment: BP1, PM2

NM_015346.4(ZFYVE26):c.1130G>T (p.Cys377Phe)

Gene: ZFYVE26 (zinc finger FYVE-type containing 26; minus strand). Cytogenetic location: 14q24.1.
Variant type: single nucleotide variant.
Coding change: c.1130G>T on transcript NM_015346.4 (MANE Select); coding-DNA position 1130, G replaced by T.
Protein change: p.Cys377Phe; replaces cysteine 377 with phenylalanine.
Molecular consequence: missense variant.
Genome position (GRCh38, 1-based): chr14:67,805,506, C>A on the plus strand (G>T on the coding strand, the complement: ZFYVE26 is on the minus strand). VCF-style: chr14-67805506-C-A. GRCh37 (hg19) VCF-style: chr14-68272223-C-A.
Other names: p.Cys377Phe; c.1130G>T (NM_015346.3); short protein forms C377F.
Identifiers: ClinVar variation 2683268 (VCV002683268.2), dbSNP rs1003221368, ClinGen allele CA390177344.
Genomic context (GRCh38, chr14:67,805,506, plus strand): 5'-AGAGTTACCTGGGTCCTGTGCAGGGTCTGGAGCAGCCTCTTGGCTGACTCTAGGCTCTGG[C>A]AGTGTGTCCAGCCCAGGAGTACAAGCAGGCAACTGAGGGGCCTGAATTCTCTATCAAGTA-3'
Protein context (NP_056161.2, residues 367-387): CLLVLLGWTH[Cys377Phe]QSLESAKRLL